The following is an entry in ClinVar:

NM_024408.4(NOTCH2):c.3677T>C (p.Ile1226Thr)

Gene: NOTCH2 (notch receptor 2; minus strand). Cytogenetic location: 1p12.
Variant type: single nucleotide variant.
Coding change: c.3677T>C on transcript NM_024408.4 (MANE Select); coding-DNA position 3677, T replaced by C.
Protein change: p.Ile1226Thr; replaces isoleucine 1226 with threonine.
Molecular consequence: missense variant.
Genome position (GRCh38, 1-based): chr1:119,929,191, A>G on the plus strand (T>C on the coding strand, the complement: NOTCH2 is on the minus strand). VCF-style: chr1-119929191-A-G. GRCh37 (hg19) VCF-style: chr1-120471814-A-G.
Other names: short protein forms I1226T.
Identifiers: ClinVar variation 2765750 (VCV002765750.3), dbSNP rs2526161557, ClinGen allele CA341894731.
Genomic context (GRCh38, chr1:119,929,191, plus strand): 5'-CCAATCCTATCCATGCACTGACCACCATTAAGGCAATGGGGACCCCGGGCACAGTCATCA[A>G]TGTTCTCTTCACAGAGTAGGCCTGGAGGAAAGAGAAGAGGTACAGAATTATGAAAATCCT-3'
Protein context (NP_077719.2, residues 1216-1236): GTRGLLCEEN[Ile1226Thr]DDCARGPHCL

ClinVar aggregate classification (germline): Uncertain significance (1 of 4 stars; one submission).

Conditions:
Hajdu-Cheney syndrome (HJCYS). Also called: SERPENTINE FIBULA-POLYCYSTIC KIDNEY SYNDROME; ACROOSTEOLYSIS WITH OSTEOPOROSIS AND CHANGES IN SKULL AND MANDIBLE; Acroosteolysis dominant type. Identifiers: Orphanet 955, MedGen C0917715, MONDO:0007057, OMIM 102500.

Submission:

Labcorp Genetics (formerly Invitae), Labcorp
Classification: Uncertain significance for Hajdu-Cheney syndrome. Last evaluated: 2023-10-05. Review status: criteria provided, single submitter. Criteria: Invitae Variant Classification Sherloc (09022015). Collection method: clinical testing. Allele origin: germline.
Comment: This sequence change replaces isoleucine, which is neutral and non-polar, with threonine, which is neutral and polar, at codon 1226 of the NOTCH2 protein (p.Ile1226Thr). This variant is not present in population databases (gnomAD no frequency). This variant has not been reported in the literature in individuals affected with NOTCH2-related conditions. Advanced modeling of protein sequence and biophysical properties (such as structural, functional, and spatial information, amino acid conservation, physicochemical variation, residue mobility, and thermodynamic stability) performed at Invitae indicates that this missense variant is not expected to disrupt NOTCH2 protein function. In summary, the available evidence is currently insufficient to determine the role of this variant in disease. Therefore, it has been classified as a Variant of Uncertain Significance.